The following is an entry in ClinVar:

NM_001009999.3(KDM1A):c.2440C>T (p.Pro814Ser)

Gene: KDM1A (lysine demethylase 1A; plus strand). Cytogenetic location: 1p36.12.
Variant type: single nucleotide variant.
Coding change: c.2440C>T on transcript NM_001009999.3 (MANE Select); coding-DNA position 2440, C replaced by T.
Protein change: p.Pro814Ser; replaces proline 814 with serine.
Molecular consequence: missense variant.
Genome position (GRCh38, 1-based): chr1:23,082,361, C>T. VCF-style: chr1-23082361-C-T. GRCh37 (hg19) VCF-style: chr1-23408854-C-T.
Other names: c.2386C>T, p.Pro796Ser (NM_001363654.2); c.2446C>T, p.Pro816Ser (NM_001410762.1); c.2368C>T, p.Pro790Ser (NM_001410763.1, NM_015013.4); short protein forms P814S, P790S, P816S, P796S.
Identifiers: ClinVar variation 4091099 (VCV004091099.2).

ClinVar aggregate classification (germline): Uncertain significance. Review status: criteria provided, multiple submitters, no conflicts (2 of 4 stars). 2 submissions from 2 submitters: Uncertain significance (2). Last evaluated 2025-11-23.

Conditions:
Inborn genetic diseases. Identifiers: MedGen C0950123, MeSH D030342.

gnomAD v4.1: 7 of 1,612,482 alleles (0.00043%); highest among the groups gnomAD compares: Non-Finnish European, 0.00059%; no homozygotes.

Submissions (2):

Labcorp Genetics (formerly Invitae), Labcorp
Classification: Uncertain significance. Last evaluated: 2025-11-23. Review status: criteria provided, single submitter. Criteria: Invitae Variant Classification Sherloc (09022015). Collection method: clinical testing. Allele origin: germline.
Comment: This sequence change replaces proline, which is neutral and non-polar, with serine, which is neutral and polar, at codon 814 of the KDM1A protein (p.Pro814Ser). This variant is not present in population databases (gnomAD no frequency). This variant has not been reported in the literature in individuals affected with KDM1A-related conditions. ClinVar contains an entry for this variant (Variation ID: 4091099). An algorithm developed to predict the effect of missense changes on protein structure and function (PolyPhen-2) suggests that this variant is likely to be tolerated. In summary, the available evidence is currently insufficient to determine the role of this variant in disease. Therefore, it has been classified as a Variant of Uncertain Significance.

Ambry Genetics
Classification: Uncertain significance for Inborn genetic diseases. Last evaluated: 2025-08-23. Review status: criteria provided, single submitter. Criteria: Ambry Variant Classification Scheme 2023. Collection method: clinical testing. Allele origin: germline.
Comment: The p.P814S variant (also known as c.2440C>T), located in coding exon 20 of the KDM1A gene, results from a C to T substitution at nucleotide position 2440. The proline at codon 814 is replaced by serine, an amino acid with similar properties. This amino acid position is conserved. In addition, this alteration is predicted to be tolerated by in silico analysis. Based on the available evidence, the clinical significance of this variant remains unclear.